The following is an entry in ClinVar:

NM_020859.4(SHROOM3):c.4441A>C (p.Thr1481Pro)

Genes: SHROOM3 (shroom family member 3; plus strand), SHROOM3-AS1 (SHROOM3 antisense RNA 1; minus strand). Cytogenetic location: 4q21.1.
Variant type: single nucleotide variant.
Coding change: c.4441A>C on transcript NM_020859.4 (MANE Select); coding-DNA position 4441, A replaced by C.
Protein change: p.Thr1481Pro; replaces threonine 1481 with proline.
Molecular consequence: missense variant.
Genome position (GRCh38, 1-based): chr4:76,754,924, A>C. VCF-style: chr4-76754924-A-C. GRCh37 (hg19) VCF-style: chr4-77676077-A-C.
Other names: short protein forms T1481P.
Identifiers: ClinVar variation 730397 (VCV000730397.7), dbSNP rs61739913, ClinGen allele CA2973010.

ClinVar aggregate classification (germline): Benign. Review status: criteria provided, multiple submitters, no conflicts (2 of 4 stars). 3 submissions from 3 submitters: Benign (2). 1 of the submissions does not count toward it. Last evaluated 2019-12-31.

Conditions:
SHROOM3-related disorder. Also called: SHROOM3-related condition.

Allele frequency attached by ClinVar (database versions not stated): ESP Exome Variant Server 0.00700; 1000 Genomes Project 0.00719; gnomAD 0.00779; TOPMed 0.00784; 1000 Genomes Project 30x 0.00828.
gnomAD v4.1: 2,214 of 1,613,920 alleles (0.14%); highest among the groups gnomAD compares: African/African-American, 2.5%; 29 homozygotes.

Submissions (3):

Labcorp Genetics (formerly Invitae), Labcorp
Classification: Benign. Last evaluated: 2019-12-31. Review status: criteria provided, single submitter. Criteria: Invitae Variant Classification Sherloc (09022015). Collection method: clinical testing. Allele origin: germline.

Breakthrough Genomics
Classification: Benign. Review status: criteria provided, single submitter. Criteria: ACMG Guidelines, 2015. Collection method: not provided. Allele origin: germline. Inheritance: Unknown mechanism. Affected: yes.

PreventionGenetics, part of Exact Sciences
Classification: Benign for SHROOM3-related condition. Last evaluated: 2019-07-12. Review status: no assertion criteria provided. Collection method: clinical testing. Allele origin: germline. Not counted in ClinVar's aggregate classification.
Comment: This variant is classified as benign based on ACMG/AMP sequence variant interpretation guidelines (Richards et al. 2015 PMID: 25741868, with internal and published modifications).